The following is an entry in ClinVar:

NM_003737.4(DCHS1):c.592G>T (p.Gly198Cys)

Gene: DCHS1 (dachsous cadherin-related 1; minus strand). Cytogenetic location: 11p15.4.
Variant type: single nucleotide variant.
Coding change: c.592G>T on transcript NM_003737.4 (MANE Select); coding-DNA position 592, G replaced by T.
Protein change: p.Gly198Cys; replaces glycine 198 with cysteine.
Molecular consequence: missense variant.
Genome position (GRCh38, 1-based): chr11:6,641,022, C>A on the plus strand (G>T on the coding strand, the complement: DCHS1 is on the minus strand). VCF-style: chr11-6641022-C-A. GRCh37 (hg19) VCF-style: chr11-6662253-C-A.
Other names: short protein forms G198C.
Identifiers: ClinVar variation 430481 (VCV000430481.4), dbSNP rs1038990717, ClinGen allele CA379441747.

ClinVar aggregate classification (germline): Uncertain significance. Review status: criteria provided, multiple submitters, no conflicts (2 of 4 stars). 2 submissions from 2 submitters: Uncertain significance (2). Last evaluated 2024-08-11.

Allele frequency attached by ClinVar (database versions not stated): gnomAD 0.00001; TOPMed 0.00001.

Submissions (2):

Labcorp Genetics (formerly Invitae), Labcorp
Classification: Uncertain significance. Last evaluated: 2024-08-11. Review status: criteria provided, single submitter. Criteria: Invitae Variant Classification Sherloc (09022015). Collection method: clinical testing. Allele origin: germline.
Comment: This sequence change replaces glycine, which is neutral and non-polar, with cysteine, which is neutral and slightly polar, at codon 198 of the DCHS1 protein (p.Gly198Cys). This variant is present in population databases (no rsID available, gnomAD 0.3%). This variant has not been reported in the literature in individuals affected with DCHS1-related conditions. ClinVar contains an entry for this variant (Variation ID: 430481). An algorithm developed to predict the effect of missense changes on protein structure and function (PolyPhen-2) suggests that this variant is likely to be disruptive. In summary, the available evidence is currently insufficient to determine the role of this variant in disease. Therefore, it has been classified as a Variant of Uncertain Significance.

GeneDx
Classification: Uncertain significance. Last evaluated: 2017-05-29. Review status: criteria provided, single submitter. Criteria: GeneDx Variant Classification (06012015). Collection method: clinical testing. Allele origin: germline. Affected: yes.
Comment: The G198C variant in the DCHS1 gene has not been reported previously as a pathogenic variant, nor as a benign variant, to our knowledge. The G198C variant is not observed in large population cohorts (Lek et al., 2016; 1000 Genomes Consortium et al., 2015; Exome Variant Server). The G198C variant is a non-conservative amino acid substitution, which is likely to impact secondary protein structure as these residues differ in polarity, charge, size and/or other properties. This substitution occurs at a position where amino acids with similar properties to Glycine are tolerated across species. In silico analysis predicts this variant is probably damaging to the protein structure/function. We interpret G198C as a variant of uncertain significance.